The following is an entry in ClinVar:

ClinVar aggregate classification (germline): Pathogenic (0 of 4 stars; one submission).

Conditions:
Fanconi anemia complementation group A (FANCA). Also called: Fanconi anemia, group A; FANCA-Related Fanconi Anemia. Identifiers: Orphanet 84, MedGen C3469521, MONDO:0009215, OMIM 227650.

Submission:

Leiden Open Variation Database
Classification: Pathogenic for Fanconi anemia complementation group A. Last evaluated: 2020-02-28. Review status: no assertion criteria provided. Collection method: curation. Allele origin: germline. Affected: yes.
Comment: Curator: Arleen D. Auerbach. Submitter to LOVD: Johan de Winter.

Literature cited by the submitters: PubMed 17924555.

NM_000135.4(FANCA):c.629T>G (p.Leu210Arg)

Gene: FANCA (FA complementation group A; minus strand). Cytogenetic location: 16q24.3.
Variant type: single nucleotide variant.
Coding change: c.629T>G on transcript NM_000135.4 (MANE Select); coding-DNA position 629, T replaced by G.
Protein change: p.Leu210Arg; replaces leucine 210 with arginine.
Molecular consequence: missense variant.
Genome position (GRCh38, 1-based): chr16:89,805,360, A>C on the plus strand (T>G on the coding strand, the complement: FANCA is on the minus strand). VCF-style: chr16-89805360-A-C. GRCh37 (hg19) VCF-style: chr16-89871768-A-C.
Other names: c.629T>G, p.Leu210Arg (NM_001018112.3, NM_001286167.3); c.533T>G, p.Leu178Arg (NM_001351830.2); short protein forms L178R, L210R.
Identifiers: ClinVar variation 974297 (VCV000974297.1), dbSNP rs2040601073, ClinGen allele CA397478113.
Genomic context (GRCh38, chr16:89,805,360, plus strand): 5'-ACGTCAGCATGCTGGCAGGATGCTTCCATCTGTTCACAAAGGCAGCACAGATTCCTGAAG[A>C]GCCACGATCCCACAGCATGCATGTCGGGATGGCTGGAGACACACACAGAGGCAGACGTAA-3'
Protein context (NP_000126.2, residues 200-220): HPDMHAVGSW[Leu210Arg]FRNLCCLCEQ